The following is an entry in ClinVar:

NM_001122681.2(SH3BP2):c.930del (p.Gly311fs)

Gene: SH3BP2 (SH3 domain binding protein 2; plus strand). Cytogenetic location: 4p16.3.
Variant type: Deletion.
Coding change: c.930del on transcript NM_001122681.2 (MANE Select); coding-DNA position 930, one base deleted (T; older notation c.930delT).
Protein change: p.Gly311fs; shifts the reading frame from glycine 311.
Molecular consequence: frameshift variant.
Genome position (GRCh38, 1-based): chr4:2,829,836, T deleted. VCF-style (leftmost placement, unchanged base first): chr4-2829835-CT-C. GRCh37 (hg19) VCF-style: chr4-2831562-CT-C.
Other names: c.1014del, p.Gly339fs (NM_001145855.2); c.1101del, p.Gly368fs (NM_001145856.2); c.930del, p.Gly311fs (NM_003023.4); short protein forms G311fs, G339fs, G368fs.
Identifiers: ClinVar variation 1056634 (VCV001056634.7), dbSNP rs762935038, ClinGen allele CA2819358.

ClinVar aggregate classification (germline): Uncertain significance (1 of 4 stars; one submission).

Conditions:
Fibrous dysplasia of jaw (CRBM). Also called: Cherubism. Identifiers: Orphanet 184, MedGen C0008029, MONDO:0007315, OMIM 118400.

Allele frequency attached by ClinVar (database versions not stated): ExAC 0.00001; gnomAD exomes 0.00001; TOPMed 0.00001.

Submission:

Labcorp Genetics (formerly Invitae), Labcorp
Classification: Uncertain significance for Fibrous dysplasia of jaw. Last evaluated: 2021-10-02. Review status: criteria provided, single submitter. Criteria: Invitae Variant Classification Sherloc (09022015). Collection method: clinical testing. Allele origin: germline.
Comment: This sequence change creates a premature translational stop signal (p.Gly311Alafs*50) in the SH3BP2 gene. It is expected to result in an absent or disrupted protein product. This variant is present in population databases (rs762935038, ExAC 0.002%). This variant has not been reported in the literature in individuals with SH3BP2-related conditions. The current clinical and genetic evidence is not sufficient to establish whether loss-of-function variants in SH3BP2 cause disease. In summary, the available evidence is currently insufficient to determine the role of this variant in disease. Therefore, it has been classified as a Variant of Uncertain Significance.